The following is an entry in ClinVar:

NM_018249.6(CDK5RAP2):c.1107T>G (p.Tyr369Ter)

Gene: CDK5RAP2 (CDK5 regulatory subunit associated protein 2; minus strand). Cytogenetic location: 9q33.2.
Variant type: single nucleotide variant.
Coding change: c.1107T>G on transcript NM_018249.6 (MANE Select); coding-DNA position 1107, T replaced by G.
Protein change: p.Tyr369Ter; replaces tyrosine 369 with a stop codon.
Molecular consequence: nonsense. On other transcripts: non-coding transcript variant (5).
Genome position (GRCh38, 1-based): chr9:120,518,631, A>C on the plus strand (T>G on the coding strand, the complement: CDK5RAP2 is on the minus strand). VCF-style: chr9-120518631-A-C. GRCh37 (hg19) VCF-style: chr9-123280909-A-C.
Other names: c.1107T>G, p.Tyr369Ter (NM_001011649.3, NM_001272039.2, NM_001410992.1 and 2 more transcripts); short protein forms Y369*.
Identifiers: ClinVar variation 4723622 (VCV004723622.1).
Genomic context (GRCh38, chr9:120,518,631, plus strand): 5'-GGTGAGGTTTTGTGAGCGCAGCGCAGCCGAAAGGGCTTCCTTTCCTGATAGAGCAGTCTC[A>C]TAGTCTTCAGACCCCTAGAAGAGAAGGCAGAGAAGCAAGATGAGCTAATTTTCATACCTC-3'

ClinVar aggregate classification (germline): Pathogenic (1 of 4 stars; one submission).

Submission:

Labcorp Genetics (formerly Invitae), Labcorp
Classification: Pathogenic. Last evaluated: 2025-07-21. Review status: criteria provided, single submitter. Criteria: Invitae Variant Classification Sherloc (09022015). Collection method: clinical testing. Allele origin: germline.
Comment: This sequence change creates a premature translational stop signal (p.Tyr369*) in the CDK5RAP2 gene. It is expected to result in an absent or disrupted protein product. Loss-of-function variants in CDK5RAP2 are known to be pathogenic (PMID: 15793586, 20460369, 26436113). This variant is not present in population databases (gnomAD no frequency). This variant has not been reported in the literature in individuals affected with CDK5RAP2-related conditions. For these reasons, this variant has been classified as Pathogenic.

Literature cited by the submitters: PubMed 15793586; PubMed 20460369; PubMed 26436113.